The following is an entry in ClinVar:

ClinVar aggregate classification (germline): Conflicting classifications of pathogenicity. Review status: criteria provided, conflicting classifications (1 of 4 stars). 2 submissions from 2 submitters: Uncertain significance (1); Likely benign (1). Last evaluated 2023-12-16.

Allele frequency attached by ClinVar (database versions not stated): ESP Exome Variant Server 0.00008; TOPMed 0.00014; 1000 Genomes Project 30x 0.00016; gnomAD 0.00021; ExAC 0.00056.
gnomAD v4.1: 348 of 1,554,688 alleles (0.022%); highest among the groups gnomAD compares: South Asian, 0.026%; no homozygotes.

Submissions (2):

Ambry Genetics
Classification: Uncertain significance. Last evaluated: 2023-12-16. Review status: criteria provided, single submitter. Criteria: Ambry Variant Classification Scheme 2023. Collection method: clinical testing. Allele origin: germline.

CeGaT Center for Human Genetics Tuebingen
Classification: Likely benign. Last evaluated: 2022-07-01. Review status: criteria provided, single submitter. Criteria: CeGaT Center For Human Genetics Tuebingen Variant Classification Criteria Version 2. Collection method: clinical testing. Allele origin: germline. Affected: yes. Observed: 1 variant allele.
Comment: TTC29: BP4

NM_031956.4(TTC29):c.851A>G (p.His284Arg)

Gene: TTC29 (tetratricopeptide repeat domain 29; minus strand). Cytogenetic location: 4q31.22.
Variant type: single nucleotide variant.
Coding change: c.851A>G on transcript NM_031956.4 (MANE Select); coding-DNA position 851, A replaced by G.
Protein change: p.His284Arg; replaces histidine 284 with arginine.
Molecular consequence: missense variant. On other transcripts: non-coding transcript variant (1).
Genome position (GRCh38, 1-based): chr4:146,867,532, T>C on the plus strand (A>G on the coding strand, the complement: TTC29 is on the minus strand). VCF-style: chr4-146867532-T-C. GRCh37 (hg19) VCF-style: chr4-147788684-T-C.
Other names: c.851A>G (NM_031956.2); c.929A>G, p.His310Arg (NM_001300761.4); c.851A>G, p.His284Arg (NM_001317806.3); short protein forms H284R, H310R.
Identifiers: ClinVar variation 2655113 (VCV002655113.25), dbSNP rs369571582, ClinGen allele CA3097541.
Genomic context (GRCh38, chr4:146,867,532, plus strand): 5'-TGGCAGTGATTAAAAGTTTAGCTTACTGTTAATGCTGTTTCATATTCCTCAGCAGCTAAG[T>C]GTGCTAAGCCCAAGTAGTAAGAGGCTTCCGCTTCCATCTTTTTGTCACTTCCTGAAGTGA-3'
Protein context (NP_114162.2, residues 274-294): AEASYYLGLA[His284Arg]LAAEEYETAL